The following is an entry in ClinVar:

NM_001113378.2(FANCI):c.2096A>G (p.Tyr699Cys)

Gene: FANCI (FA complementation group I; plus strand). Cytogenetic location: 15q26.1.
Variant type: single nucleotide variant.
Coding change: c.2096A>G on transcript NM_001113378.2 (MANE Select); coding-DNA position 2096, A replaced by G.
Protein change: p.Tyr699Cys; replaces tyrosine 699 with cysteine.
Molecular consequence: missense variant.
Genome position (GRCh38, 1-based): chr15:89,292,791, A>G. VCF-style: chr15-89292791-A-G. GRCh37 (hg19) VCF-style: chr15-89836022-A-G.
Other names: c.1817A>G, p.Tyr606Cys (NM_001376910.1); c.2096A>G, p.Tyr699Cys (NM_001376911.1, NM_018193.3); short protein forms Y606C, Y699C.
Identifiers: ClinVar variation 1020437 (VCV001020437.8), dbSNP rs774148630, ClinGen allele CA393749080.

ClinVar aggregate classification (germline): Uncertain significance (1 of 4 stars; one submission).

Conditions:
Fanconi anemia (FA). Also called: Fanconi's anemia. Identifiers: Orphanet 84, MedGen C0015625, MeSH D005199, MONDO:0019391.

Allele frequency attached by ClinVar (database versions not stated): TOPMed 0.00001.
gnomAD v4.1: 3 of 1,613,960 alleles (0.00019%); highest among the groups gnomAD compares: African/African-American, 0.0013%; no homozygotes.

Submission:

Labcorp Genetics (formerly Invitae), Labcorp
Classification: Uncertain significance for Fanconi anemia. Last evaluated: 2020-11-14. Review status: criteria provided, single submitter. Criteria: Invitae Variant Classification Sherloc (09022015). Collection method: clinical testing. Allele origin: germline.
Comment: This variant has not been reported in the literature in individuals with FANCI-related conditions. This sequence change replaces tyrosine with cysteine at codon 699 of the FANCI protein (p.Tyr699Cys). The tyrosine residue is weakly conserved and there is a large physicochemical difference between tyrosine and cysteine. This variant is not present in population databases (ExAC no frequency). Algorithms developed to predict the effect of missense changes on protein structure and function are either unavailable or do not agree on the potential impact of this missense change (SIFT: "Deleterious"; PolyPhen-2: "Benign"; Align-GVGD: "Class C0"). In summary, the available evidence is currently insufficient to determine the role of this variant in disease. Therefore, it has been classified as a Variant of Uncertain Significance.